The following is an entry in ClinVar:

NM_001369.3(DNAH5):c.12763_12764insGTCCAAACATATTT (p.Val4255fs)

Gene: DNAH5 (dynein axonemal heavy chain 5; minus strand). Cytogenetic location: 5p15.2.
Variant type: Insertion.
Coding change: c.12763_12764insGTCCAAACATATTT on transcript NM_001369.3 (MANE Select); coding-DNA positions 12763 to 12764, GTCCAAACATATTT inserted.
Protein change: p.Val4255fs; shifts the reading frame from valine 4255.
Molecular consequence: frameshift variant.
Genome position: GRCh38 VCF-style: chr5-13716632-A-AAAATATGTTTGGAC. GRCh37 (hg19) VCF-style: chr5-13716741-A-AAAATATGTTTGGAC.
Other names: short protein forms V4255fs.
Identifiers: ClinVar variation 5010795 (VCV005010795.1).

ClinVar aggregate classification (germline): Pathogenic (1 of 4 stars; one submission).

Conditions:
Primary ciliary dyskinesia 3. Identifiers: Orphanet 244, MedGen C1837618, MONDO:0012085, OMIM 608644.

Submission:

Myriad Genetics, Inc.
Classification: Pathogenic for Primary ciliary dyskinesia 3. Last evaluated: 2024-05-14. Review status: criteria provided, single submitter. Criteria: Myriad Autosomal Dominant, Autosomal Recessive and X-Linked Classification Criteria (2023). Collection method: clinical testing. Allele origin: unknown.
Comment: NM_001369.2(DNAH5):c.12763_12764ins14(V4255Gfs*15) is expected to be pathogenic in the context of primary ciliary dyskinesia, DNAH5-related. This variant is predicted to lead to an abnormal or absent protein product due to the creation of a premature termination codon in DNAH5, a gene where loss-of-function variants are known to be pathogenic. Please note: this variant was assessed in the context of healthy population screening.